The following is an entry in ClinVar:

ClinVar aggregate classification (germline): Uncertain significance. Review status: criteria provided, multiple submitters, no conflicts (2 of 4 stars). 2 submissions from 2 submitters: Uncertain significance (2). Last evaluated 2023-12-19.

Submissions (2):

GeneDx
Classification: Uncertain significance. Last evaluated: 2023-12-19. Review status: criteria provided, single submitter. Criteria: GeneDx Variant Classification Process June 2021. Collection method: clinical testing. Allele origin: germline.
Comment: Not observed at significant frequency in large population cohorts (gnomAD); In silico analysis supports that this missense variant has a deleterious effect on protein structure/function; Has not been previously published as pathogenic or benign to our knowledge

Labcorp Genetics (formerly Invitae), Labcorp
Classification: Uncertain significance. Last evaluated: 2022-07-02. Review status: criteria provided, single submitter. Criteria: Invitae Variant Classification Sherloc (09022015). Collection method: clinical testing. Allele origin: germline.
Comment: In summary, the available evidence is currently insufficient to determine the role of this variant in disease. Therefore, it has been classified as a Variant of Uncertain Significance. Algorithms developed to predict the effect of missense changes on protein structure and function (SIFT, PolyPhen-2, Align-GVGD) all suggest that this variant is likely to be disruptive. This variant has not been reported in the literature in individuals affected with PAFAH1B1-related conditions. This variant is not present in population databases (gnomAD no frequency). This sequence change replaces arginine, which is basic and polar, with glycine, which is neutral and non-polar, at codon 363 of the PAFAH1B1 protein (p.Arg363Gly).

NM_000430.4(PAFAH1B1):c.1087C>G (p.Arg363Gly)

Gene: PAFAH1B1 (platelet activating factor acetylhydrolase 1b regulatory subunit 1; plus strand). Cytogenetic location: 17p13.3.
Variant type: single nucleotide variant.
Coding change: c.1087C>G on transcript NM_000430.4 (MANE Select); coding-DNA position 1087, C replaced by G.
Protein change: p.Arg363Gly; replaces arginine 363 with glycine.
Molecular consequence: missense variant.
Genome position (GRCh38, 1-based): chr17:2,680,248, C>G. VCF-style: chr17-2680248-C-G. GRCh37 (hg19) VCF-style: chr17-2583542-C-G.
Other names: short protein forms R363G.
Identifiers: ClinVar variation 1800966 (VCV001800966.7), dbSNP rs2069359971, ClinGen allele CA397642582.